The following is an entry in ClinVar:

ClinVar aggregate classification (germline): Benign/Likely benign. Review status: criteria provided, multiple submitters, no conflicts (2 of 4 stars). 11 submissions from 11 submitters: Benign (1); Likely benign (10). Last evaluated 2026-05-21.

Conditions:
Hereditary cancer-predisposing syndrome. Also called: Tumor predisposition; Neoplastic Syndromes, Hereditary; Hereditary neoplastic syndrome; Hereditary Cancer Syndrome. Identifiers: Orphanet 140162, MedGen C0027672, MeSH D009386, MONDO:0015356.
Neurofibromatosis, type 1 (NF1). Also called: NEUROFIBROMATOSIS, TYPE I, SOMATIC; Peripheral type neurofibromatosis; VON RECKLINGHAUSEN DISEASE; Neurofibromatosis, type I. Identifiers: Orphanet 636, MedGen C0027831, MONDO:0018975, OMIM 162200. Disease mechanism: loss of function.

Allele frequency attached by ClinVar (database versions not stated): ExAC 0.00004; gnomAD exomes 0.00004 and 0.00007; TOPMed 0.00004; gnomAD 0.00006.
gnomAD v4.1: 120 of 1,613,292 alleles (0.0074%); highest among the groups gnomAD compares: Non-Finnish European, 0.009%; no homozygotes.

Submissions (11):

Myriad Genetics, Inc.
Classification: Benign for Neurofibromatosis, type 1. Last evaluated: 2026-05-21. Review status: criteria provided, single submitter. Criteria: Myriad Autosomal Dominant, Autosomal Recessive and X-Linked Classification Criteria (2023). Collection method: clinical testing. Allele origin: unknown.
Comment: This variant is considered benign. This variant is a silent/synonymous amino acid change and it is not expected to impact splicing.

Labcorp Genetics (formerly Invitae), Labcorp
Classification: Likely benign for Neurofibromatosis, type 1. Last evaluated: 2026-01-26. Review status: criteria provided, single submitter. Criteria: Invitae Variant Classification Sherloc (09022015). Collection method: clinical testing. Allele origin: germline.

Quest Diagnostics Nichols Institute San Juan Capistrano
Classification: Likely benign. Last evaluated: 2025-02-12. Review status: criteria provided, single submitter. Criteria: Quest Diagnostics criteria. Collection method: clinical testing. Allele origin: unknown.

Genome-Nilou Lab
Classification: Likely benign for Neurofibromatosis, type 1. Last evaluated: 2022-03-15. Review status: criteria provided, single submitter. Criteria: ACMG Guidelines, 2015. Collection method: clinical testing. Allele origin: germline. Affected: no.

Sema4
Classification: Likely benign for Hereditary cancer-predisposing syndrome. Last evaluated: 2021-12-08. Review status: criteria provided, single submitter. Criteria: Sema4 Curation Guidelines. Collection method: curation. Allele origin: germline.

Blueprint Genetics
Classification: Likely benign. Last evaluated: 2021-09-29. Review status: criteria provided, single submitter. Criteria: ACMG Guidelines, 2015. Collection method: clinical testing. Allele origin: germline.

GeneDx
Classification: Likely benign. Last evaluated: 2021-05-25. Review status: criteria provided, single submitter. Criteria: GeneDx Variant Classification Process June 2021. Collection method: clinical testing. Allele origin: germline. Affected: yes.

Genetic Services Laboratory, University of Chicago
Classification: Likely benign. Last evaluated: 2021-03-18. Review status: criteria provided, single submitter. Criteria: ACMG Guidelines, 2015. Collection method: clinical testing. Allele origin: germline. Affected: no.

Laboratory for Molecular Medicine, Mass General Brigham Personalized Medicine
Classification: Likely benign. Last evaluated: 2015-02-23. Review status: criteria provided, single submitter. Criteria: LMM Criteria. Collection method: clinical testing. Allele origin: germline. Observed: 1 variant allele.
Comment: p.Leu2125Leu in exon 42 of NF1: This variant is not expected to have clinical si gnificance because it does not alter an amino acid residue and is not located wi thin the splice consensus sequence. The variant has been identified in 5/66724 E uropean chromosomes by the Exome Aggregation Consortium (ExAC).

Ambry Genetics
Classification: Likely benign for Hereditary cancer-predisposing syndrome. Last evaluated: 2014-10-09. Review status: criteria provided, single submitter. Criteria: Ambry Autosomal Dominant and X-Linked criteria (10/2015). Collection method: clinical testing. Allele origin: germline. Observed: 1 variant allele.

PreventionGenetics, part of Exact Sciences
Classification: Likely benign. Review status: criteria provided, single submitter. Criteria: ACMG Guidelines, 2015. Collection method: clinical testing. Allele origin: germline.

NM_001042492.3(NF1):c.6375G>A (p.Leu2125=)

Gene: NF1 (neurofibromin 1; plus strand). Cytogenetic location: 17q11.2.
Variant type: single nucleotide variant.
Coding change: c.6375G>A on transcript NM_001042492.3 (MANE Select); coding-DNA position 6375, G replaced by A.
Protein change: p.Leu2125=; no amino-acid change (leucine 2125 retained).
Molecular consequence: synonymous variant.
Genome position (GRCh38, 1-based): chr17:31,336,862, G>A. VCF-style: chr17-31336862-G-A. GRCh37 (hg19) VCF-style: chr17-29663880-G-A.
Other names: c.6312G>A, p.Leu2104= (NM_000267.4).
Identifiers: ClinVar variation 184762 (VCV000184762.25), dbSNP rs773467465, ClinGen allele CA189976.